The following is an entry in ClinVar:

NM_000051.4(ATM):c.6333_6341dup (p.Ser2114_Val2115insCysThrSer)

Genes: ATM (ATM serine/threonine kinase; plus strand), C11orf65 (chromosome 11 open reading frame 65; minus strand). Cytogenetic location: 11q22.3.
Variant type: Duplication.
Coding change: c.6333_6341dup on transcript NM_000051.4 (MANE Select); coding-DNA positions 6333 to 6341, 9 bases duplicated (TTGCACTTC; older notation c.6333_6341dupTTGCACTTC).
Protein change: p.Ser2114_Val2115insCysThrSer.
Molecular consequence: inframe insertion. On other transcripts: intron variant (2).
Genome position (GRCh38, 1-based): chr11:108,317,507-108,317,515, TTGCACTTC duplicated. VCF-style (leftmost placement, unchanged base first): chr11-108317506-A-ATTGCACTTC. GRCh37 (hg19) VCF-style: chr11-108188233-A-ATTGCACTTC.
Other names: c.6333_6341dup, p.Ser2114_Val2115insCysThrSer (NM_001351834.2); c.641-8444_641-8436dup (NM_001330368.2); c.*39-8444_*39-8436dup (NM_001351110.2).
Identifiers: ClinVar variation 1009106 (VCV001009106.10), dbSNP rs2084792995, ClinGen allele CA1998802993.

ClinVar aggregate classification (germline): Uncertain significance (1 of 4 stars; one submission).

Conditions:
Ataxia-telangiectasia syndrome (AT). Also called: Ataxia telangiectasia (A-T); ATAXIA-TELANGIECTASIA, COMPLEMENTATION GROUP A; ATAXIA-TELANGIECTASIA, FRESNO VARIANT; Ataxia-telangiectasia; Ataxia-telangiectasia, complementation group E; LOUIS-BAR SYNDROME. Identifiers: Orphanet 100, MedGen C0004135, MONDO:0008840, OMIM 208900.

Submission:

Labcorp Genetics (formerly Invitae), Labcorp
Classification: Uncertain significance for Ataxia-telangiectasia syndrome. Last evaluated: 2020-04-14. Review status: criteria provided, single submitter. Criteria: Invitae Variant Classification Sherloc (09022015). Collection method: clinical testing. Allele origin: germline.
Comment: This variant has not been reported in the literature in individuals with ATM-related conditions. This variant is not present in population databases (ExAC no frequency). This variant, c.6333_6341dup, results in the insertion of 3 amino acid(s) to the ATM protein (p.Cys2112_Ser2114dup), but otherwise preserves the integrity of the reading frame. Experimental studies and prediction algorithms are not available or were not evaluated, and the functional significance of this variant is currently unknown. In summary, the available evidence is currently insufficient to determine the role of this variant in disease. Therefore, it has been classified as a Variant of Uncertain Significance.